The following is an entry in ClinVar:

ClinVar aggregate classification (germline): Pathogenic (3 of 4 stars; one submission).

Conditions:
Phenylketonuria (PKU). Also called: FOLLING DISEASE; Phenylketonuria (PKU); OLIGOPHRENIA PHENYLPYRUVICA; Phenylketonurias. Identifiers: Orphanet 716, MedGen C0031485, MONDO:0009861, OMIM 261600. Disease mechanism: loss of function.

Submission:

ClinGen PAH Variant Curation Expert Panel
Classification: Pathogenic for Phenylketonuria. Last evaluated: 2019-04-04. Review status: reviewed by expert panel. Criteria: ClinGen PAH ACMG Specifications v1. Collection method: curation. Allele origin: germline. Inheritance: Autosomal recessive inheritance.
Comment: BH4 deficiency was not formally excluded (PMID: 23430918) (PM3, PP4). The variant is a 1bp insertion leading to a nonsense variant which occurs in exon 3 of 13 in the in the canonical transcript of PAH, a gene fulfilling the most recent criteria for LOF being a known disease mechanism (see PMID: 30192042) (PVS1). It is absent from control databases including ethnically matched individuals, including gnomAD/ExAC, 1000 Genomes, and ESP (PM2). In summary, this variant meets criteria to be classified as pathogenic for PAH. PAH-specific ACMG/AMP criteria applied: PVS1, PM2, PM3, PP4.

Literature cited by the submitters: PubMed 23430918.

NM_000277.3(PAH):c.206dup (p.Ser70fs)

Gene: PAH (phenylalanine hydroxylase; minus strand). Cytogenetic location: 12q23.2.
Variant type: Duplication.
Coding change: c.206dup on transcript NM_000277.3 (MANE Select); coding-DNA position 206, one base duplicated (C; older notation c.206dupC).
Protein change: p.Ser70fs; shifts the reading frame from serine 70.
Molecular consequence: frameshift variant.
Genome position (GRCh38, 1-based): chr12:102,894,881, G duplicated on the plus strand (C on the coding strand, the reverse complement: PAH is on the minus strand); the first of 2 consecutive G bases (chr12:102,894,881-102,894,882); duplicating either gives the same sequence. VCF-style (leftmost placement, unchanged base first): chr12-102894880-A-AG. GRCh37 (hg19) VCF-style: chr12-103288658-A-AG.
Other names: c.206dup, p.Ser70fs (NM_001354304.2); short protein forms S70fs.
Identifiers: ClinVar variation 805815 (VCV000805815.1), dbSNP rs1592978901, ClinGen allele CA16020746.